The following is an entry in ClinVar:

ClinVar aggregate classification (germline): Benign (1 of 4 stars; one submission).

Allele frequency attached by ClinVar (database versions not stated): gnomAD exomes 0.05871; TOPMed 0.06322; gnomAD 0.06360 and 0.06654; 1000 Genomes Project 30x 0.08620; 1000 Genomes Project 0.08706.

Submission:

GeneDx
Classification: Benign. Last evaluated: 2018-06-16. Review status: criteria provided, single submitter. Criteria: GeneDx Variant Classification (06012015). Collection method: clinical testing. Allele origin: germline. Affected: yes.
Comment: This variant is considered likely benign or benign based on one or more of the following criteria: it is a conservative change, it occurs at a poorly conserved position in the protein, it is predicted to be benign by multiple in silico algorithms, and/or has population frequency not consistent with disease.

NM_021100.5(NFS1):c.409-120del

Gene: NFS1 (NFS1 cysteine desulfurase; minus strand). Cytogenetic location: 20q11.22.
Variant type: Deletion.
Coding change: c.409-120del on transcript NM_021100.5 (MANE Select); 120 bases into the intron before coding-DNA position 409, one base deleted (T; older notation c.409-120delT).
Molecular consequence: intron variant.
Genome position (GRCh38, 1-based): chr20:35,690,685, A deleted on the plus strand (T on the coding strand, the reverse complement: NFS1 is on the minus strand). VCF-style (leftmost placement, unchanged base first): chr20-35690684-TA-T. GRCh37 (hg19) VCF-style: chr20-34278606-TA-T.
Other names: c.408+5692del (NM_001198989.2).
Identifiers: ClinVar variation 676160 (VCV000676160.1), dbSNP rs56113530, ClinGen allele CA314146951.